The following is an entry in ClinVar:

ClinVar aggregate classification (germline): Uncertain significance (1 of 4 stars; one submission).

Conditions:
Hereditary cancer-predisposing syndrome. Also called: Neoplastic Syndromes, Hereditary; Hereditary Cancer Syndrome; Tumor predisposition; Hereditary neoplastic syndrome. Identifiers: Orphanet 140162, MedGen C0027672, MeSH D009386, MONDO:0015356.

Submission:

Ambry Genetics
Classification: Uncertain significance for Hereditary cancer-predisposing syndrome. Last evaluated: 2025-04-01. Review status: criteria provided, single submitter. Criteria: Ambry Variant Classification Scheme 2023. Collection method: clinical testing. Allele origin: germline.
Comment: The p.M73T variant (also known as c.218T>C), located in coding exon 3 of the EPCAM gene, results from a T to C substitution at nucleotide position 218. The methionine at codon 73 is replaced by threonine, an amino acid with similar properties. This amino acid position is conserved. In addition, the in silico prediction for this alteration is inconclusive. Since supporting evidence is limited at this time, the clinical significance of this alteration remains unclear.

NM_002354.3(EPCAM):c.218T>C (p.Met73Thr)

Gene: EPCAM (epithelial cell adhesion molecule; plus strand). Cytogenetic location: 2p21.
Variant type: single nucleotide variant.
Coding change: c.218T>C on transcript NM_002354.3 (MANE Select); coding-DNA position 218, T replaced by C.
Protein change: p.Met73Thr; replaces methionine 73 with threonine.
Molecular consequence: missense variant.
Genome position (GRCh38, 1-based): chr2:47,373,841, T>C. VCF-style: chr2-47373841-T-C. GRCh37 (hg19) VCF-style: chr2-47600980-T-C.
Other names: short protein forms M73T.
Identifiers: ClinVar variation 2447108 (VCV002447108.3), dbSNP rs1558435180, ClinGen allele CA346722837.